The following is an entry in ClinVar:

ClinVar aggregate classification (germline): Likely benign. Review status: criteria provided, multiple submitters, no conflicts (2 of 4 stars). 2 submissions from 2 submitters: Likely benign (2). Last evaluated 2025-12-20.

Conditions:
ACTN4-related disorder. Also called: ACTN4-related condition.

Allele frequency attached by ClinVar (database versions not stated): ExAC 0.00003; gnomAD exomes 0.00003; TOPMed 0.00005; gnomAD 0.00008; 1000 Genomes Project 0.00020; 1000 Genomes Project 30x 0.00031.
gnomAD v4.1: 50 of 1,613,874 alleles (0.0031%); highest among the groups gnomAD compares: Admixed American, 0.017%; no homozygotes.

Submissions (2):

Labcorp Genetics (formerly Invitae), Labcorp
Classification: Likely benign. Last evaluated: 2025-12-20. Review status: criteria provided, single submitter. Criteria: Invitae Variant Classification Sherloc (09022015). Collection method: clinical testing. Allele origin: germline.

PreventionGenetics, part of Exact Sciences
Classification: Likely benign for ACTN4-related condition. Last evaluated: 2025-01-03. Review status: criteria provided, single submitter. Criteria: ACMG Guidelines, 2015. Collection method: clinical testing. Allele origin: germline.
Comment: This variant is classified as likely benign based on ACMG/AMP sequence variant interpretation guidelines (Richards et al. 2015 PMID: 25741868, with internal and published modifications).

NM_004924.6(ACTN4):c.1740C>T (p.Ala580=)

Gene: ACTN4 (actinin alpha 4; plus strand). Cytogenetic location: 19q13.2.
Variant type: single nucleotide variant.
Coding change: c.1740C>T on transcript NM_004924.6 (MANE Select); coding-DNA position 1740, C replaced by T.
Protein change: p.Ala580=; no amino-acid change (alanine 580 retained).
Molecular consequence: synonymous variant.
Genome position (GRCh38, 1-based): chr19:38,724,204, C>T. VCF-style: chr19-38724204-C-T. GRCh37 (hg19) VCF-style: chr19-39214844-C-T.
Other names: c.1740C>T (NM_004924.5); c.1740C>T, p.Ala580= (NM_001322033.2, NM_001411143.1).
Identifiers: ClinVar variation 1896526 (VCV001896526.6), dbSNP rs558343166, ClinGen allele CA9417767.
Genomic context (GRCh38, chr19:38,724,204, plus strand): 5'-GCTCCTCCCCTAGGGCCTGATCTCAGCCCATGACCAGTTCAAGTCCACCCTGCCGGACGC[C>T]GATAGGGAGCGCGAGGCCATCCTGGCCATCCACAAGGAGGCCCAGAGGATCGCTGAGAGC-3'
Protein context (NP_004915.2, residues 570-590): HDQFKSTLPD[Ala580=]DREREAILAI